The following is an entry in ClinVar:

ClinVar aggregate classification (germline): Uncertain significance. Review status: criteria provided, multiple submitters, no conflicts (2 of 4 stars). 2 submissions from 2 submitters: Uncertain significance (2). Last evaluated 2025-01-22.

Conditions:
Inborn genetic diseases. Identifiers: MedGen C0950123, MeSH D030342.

Allele frequency attached by ClinVar (database versions not stated): TOPMed 0.00003.
gnomAD v4.1: 24 of 1,614,146 alleles (0.0015%); highest among the groups gnomAD compares: African/African-American, 0.012%; no homozygotes.

Submissions (2):

Ambry Genetics
Classification: Uncertain significance for Inborn genetic diseases. Last evaluated: 2025-01-22. Review status: criteria provided, single submitter. Criteria: Ambry Variant Classification Scheme 2023. Collection method: clinical testing. Allele origin: germline.

Labcorp Genetics (formerly Invitae), Labcorp
Classification: Uncertain significance. Last evaluated: 2021-08-11. Review status: criteria provided, single submitter. Criteria: Invitae Variant Classification Sherloc (09022015). Collection method: clinical testing. Allele origin: germline.
Comment: Algorithms developed to predict the effect of missense changes on protein structure and function are either unavailable or do not agree on the potential impact of this missense change (SIFT: "Deleterious"; PolyPhen-2: "Benign"; Align-GVGD: "Class C0"). In summary, the available evidence is currently insufficient to determine the role of this variant in disease. Therefore, it has been classified as a Variant of Uncertain Significance. This sequence change replaces arginine with glutamine at codon 810 of the TECTA protein (p.Arg810Gln). The arginine residue is highly conserved and there is a small physicochemical difference between arginine and glutamine. This variant is present in population databases (rs780375885, ExAC 0.01%). This variant has not been reported in the literature in individuals affected with TECTA-related conditions.

NM_005422.4(TECTA):c.2429G>A (p.Arg810Gln)

Genes: TBCEL-TECTA (TBCEL-TECTA readthrough; plus strand), TECTA (tectorin alpha; plus strand), LOC126861365 (P300/CBP strongly-dependent group 1 enhancer GRCh37_chr11:121000154-121001353; plus strand). Cytogenetic location: 11q23.3.
Variant type: single nucleotide variant.
Coding change: c.2429G>A on transcript NM_005422.4 (MANE Select); coding-DNA position 2429, G replaced by A.
Protein change: p.Arg810Gln; replaces arginine 810 with glutamine.
Molecular consequence: missense variant.
Genome position (GRCh38, 1-based): chr11:121,129,699, G>A. VCF-style: chr11-121129699-G-A. GRCh37 (hg19) VCF-style: chr11-121000408-G-A.
Other names: c.2429G>A (NM_005422.2); c.3386G>A, p.Arg1129Gln (NM_001378761.1); short protein forms R1129Q, R810Q.
Identifiers: ClinVar variation 1374299 (VCV001374299.7), dbSNP rs780375885, ClinGen allele CA6326992.